The following is an entry in ClinVar:

ClinVar aggregate classification (germline): Uncertain significance (1 of 4 stars; one submission).

Conditions:
Mucopolysaccharidosis, MPS-III-A (MPS3A). Also called: HEPARAN SULFATE SULFATASE DEFICIENCY; SANFILIPPO SYNDROME A; SULFAMIDASE DEFICIENCY; MUCOPOLYSACCHARIDOSIS, TYPE IIIA, ATTENUATED; Mucopolysaccharidosis, type IIIA; mucopolysaccharidosis type 3A. Identifiers: Orphanet 581, Orphanet 79269, MedGen C0086647, MONDO:0009655, OMIM 252900.

Allele frequency attached by ClinVar (database versions not stated): TOPMed 0.00004; gnomAD 0.00023; gnomAD exomes 0.00005; ExAC 0.00011.
gnomAD v4.1: 115 of 1,602,948 alleles (0.0072%); highest among the groups gnomAD compares: Admixed American, 0.0017%; no homozygotes.

Submission:

Labcorp Genetics (formerly Invitae), Labcorp
Classification: Uncertain significance for Mucopolysaccharidosis, MPS-III-A. Last evaluated: 2022-08-16. Review status: criteria provided, single submitter. Criteria: Invitae Variant Classification Sherloc (09022015). Collection method: clinical testing. Allele origin: germline.
Comment: This sequence change replaces serine, which is neutral and polar, with glycine, which is neutral and non-polar, at codon 57 of the SGSH protein (p.Ser57Gly). This variant is present in population databases (rs753795068, gnomAD 0.2%). In summary, the available evidence is currently insufficient to determine the role of this variant in disease. Therefore, it has been classified as a Variant of Uncertain Significance.

NM_000199.5(SGSH):c.169A>G (p.Ser57Gly)

Gene: SGSH (N-sulfoglucosamine sulfohydrolase; minus strand). Cytogenetic location: 17q25.3.
Variant type: single nucleotide variant.
Coding change: c.169A>G on transcript NM_000199.5 (MANE Select); coding-DNA position 169, A replaced by G.
Protein change: p.Ser57Gly; replaces serine 57 with glycine.
Molecular consequence: missense variant. On other transcripts: non-coding transcript variant (1).
Genome position (GRCh38, 1-based): chr17:80,217,112, T>C on the plus strand (A>G on the coding strand, the complement: SGSH is on the minus strand). VCF-style: chr17-80217112-T-C. GRCh37 (hg19) VCF-style: chr17-78190911-T-C.
Other names: c.169A>G, p.Ser57Gly (NM_001352921.3, NM_001352922.2); short protein forms S57G.
Identifiers: ClinVar variation 2414522 (VCV002414522.3), dbSNP rs753795068, ClinGen allele CA8818149.